The following is an entry in ClinVar:

ClinVar aggregate classification (germline): Likely benign (0 of 4 stars; one submission).

Conditions:
DNAH17-related disorder. Also called: DNAH17-related condition.

Allele frequency attached by ClinVar (database versions not stated): gnomAD 0.00001; ExAC 0.00003; gnomAD exomes 0.00004; TOPMed 0.00005.
gnomAD v4.1: 68 of 1,613,884 alleles (0.0042%); highest among the groups gnomAD compares: Middle Eastern, 0.016%; no homozygotes.

Submission:

PreventionGenetics, part of Exact Sciences
Classification: Likely benign for DNAH17-related condition. Last evaluated: 2019-02-20. Review status: no assertion criteria provided. Collection method: clinical testing. Allele origin: germline.
Comment: This variant is classified as likely benign based on ACMG/AMP sequence variant interpretation guidelines (Richards et al. 2015 PMID: 25741868, with internal and published modifications).

NM_173628.4(DNAH17):c.9016C>T (p.Leu3006=)

Gene: DNAH17 (dynein axonemal heavy chain 17; minus strand). Cytogenetic location: 17q25.3.
Variant type: single nucleotide variant.
Coding change: c.9016C>T on transcript NM_173628.4 (MANE Select); coding-DNA position 9016, C replaced by T.
Protein change: p.Leu3006=; no amino-acid change (leucine 3006 retained).
Molecular consequence: synonymous variant.
Genome position (GRCh38, 1-based): chr17:78,463,002, G>A on the plus strand (C>T on the coding strand, the complement: DNAH17 is on the minus strand). VCF-style: chr17-78463002-G-A. GRCh37 (hg19) VCF-style: chr17-76459084-G-A.
Identifiers: ClinVar variation 3048818 (VCV003048818.2), dbSNP rs746703904, ClinGen allele CA8801536.